The following is an entry in ClinVar:

NM_001079872.2(CUL4B):c.510C>T (p.Asn170=)

Genes: CUL4B (cullin 4B; minus strand), LOC113845788 (Sharpr-MPRA regulatory region 11856; plus strand). Cytogenetic location: Xq24.
Variant type: single nucleotide variant.
Coding change: c.510C>T on transcript NM_001079872.2 (MANE Select); coding-DNA position 510, C replaced by T.
Protein change: p.Asn170=; no amino-acid change (asparagine 170 retained).
Molecular consequence: synonymous variant.
Genome position (GRCh38, 1-based): chrX:120,560,129, G>A on the plus strand (C>T on the coding strand, the complement: CUL4B is on the minus strand). VCF-style: chrX-120560129-G-A. GRCh37 (hg19) VCF-style: chrX-119693984-G-A.
Other names: c.525C>T, p.Asn175= (NM_001330624.2); c.564C>T, p.Asn188= (NM_003588.4); c.564C>T (NM_003588.3).
Identifiers: ClinVar variation 1980004 (VCV001980004.5), dbSNP rs758768060, ClinGen allele CA10505694.
Genomic context (GRCh38, chrX:120,560,129, plus strand): 5'-TTGGCCTTGGTTACCTTTAAAGTTCTTGATCACTAACTTCTTAGCAGAGCCAGGTTTGCT[G>A]TTAGCAAAGCTAGAGACGGTGGTAGAAGATTTGGCTAGGCCGTTTGCATGATGCACCGAA-3'
Protein context (NP_001073341.1, residues 160-180): KSSTTVSSFA[Asn170=]SKPGSAKKLV

ClinVar aggregate classification (germline): Likely benign. Review status: criteria provided, multiple submitters, no conflicts (2 of 4 stars). 2 submissions from 2 submitters: Likely benign (2). Last evaluated 2026-01-05.

Conditions:
CUL4B-related disorder. Also called: CUL4B-related condition.
X-linked intellectual disability Cabezas type (MRXSC). Also called: Intellectual developmental disorder, X-linked syndromic, Cabezas type; CABEZAS SYNDROME; MENTAL RETARDATION, X-LINKED, SYNDROMIC 15. Identifiers: Orphanet 85289, Orphanet 85293, MedGen C1845861, MONDO:0010306, OMIM 300354.

Allele frequency attached by ClinVar (database versions not stated): TOPMed 0.00003; 1000 Genomes Project 0.00026; gnomAD 0.00001; ExAC 0.00001; 1000 Genomes Project 30x 0.00042.
gnomAD v4.1: 2 of 1,210,216 alleles (0.00017%); highest among the groups gnomAD compares: African/African-American, 0.0017%; no homozygotes.

Submissions (2):

Labcorp Genetics (formerly Invitae), Labcorp
Classification: Likely benign for X-linked intellectual disability Cabezas type. Last evaluated: 2026-01-05. Review status: criteria provided, single submitter. Criteria: Invitae Variant Classification Sherloc (09022015). Collection method: clinical testing. Allele origin: germline.

PreventionGenetics, part of Exact Sciences
Classification: Likely benign for CUL4B-related condition. Last evaluated: 2025-12-22. Review status: criteria provided, single submitter. Criteria: ACMG Guidelines, 2015. Collection method: clinical testing. Allele origin: germline.
Comment: This variant is classified as likely benign based on ACMG/AMP sequence variant interpretation guidelines (Richards et al. 2015 PMID: 25741868, with internal and published modifications).